The following is an entry in ClinVar:

ClinVar aggregate classification (germline): Uncertain significance. Review status: criteria provided, multiple submitters, no conflicts (2 of 4 stars). 2 submissions from 2 submitters: Uncertain significance (2). Last evaluated 2025-06-01.

Conditions:
Hereditary cancer-predisposing syndrome. Also called: Neoplastic Syndromes, Hereditary; Hereditary neoplastic syndrome; Tumor predisposition; Hereditary Cancer Syndrome. Identifiers: Orphanet 140162, MedGen C0027672, MeSH D009386, MONDO:0015356.
Ataxia-telangiectasia syndrome (AT). Also called: Ataxia-telangiectasia, complementation group E; Ataxia telangiectasia (A-T); LOUIS-BAR SYNDROME; Ataxia-telangiectasia, complementation group D; AT, COMPLEMENTATION GROUP C; Ataxia-telangiectasia. Identifiers: Orphanet 100, MedGen C0004135, MONDO:0008840, OMIM 208900.

Allele frequency attached by ClinVar (database versions not stated): TOPMed below 0.00001.
gnomAD v4.1: 2 of 1,613,684 alleles (0.00012%); highest among the groups gnomAD compares: East Asian, 0.0022%; no homozygotes.

Submissions (2):

Labcorp Genetics (formerly Invitae), Labcorp
Classification: Uncertain significance for Ataxia-telangiectasia syndrome. Last evaluated: 2025-06-01. Review status: criteria provided, single submitter. Criteria: Invitae Variant Classification Sherloc (09022015). Collection method: clinical testing. Allele origin: germline.
Comment: This sequence change replaces threonine, which is neutral and polar, with arginine, which is basic and polar, at codon 1011 of the ATM protein (p.Thr1011Arg). This variant is present in population databases (no rsID available, gnomAD 0.01%). This missense change has been observed in individual(s) with acute myeloid leukemia (PMID: 31470354). ClinVar contains an entry for this variant (Variation ID: 837306). Invitae Evidence Modeling of protein sequence and biophysical properties (such as structural, functional, and spatial information, amino acid conservation, physicochemical variation, residue mobility, and thermodynamic stability) indicates that this missense variant is not expected to disrupt ATM protein function with a negative predictive value of 95%. In summary, the available evidence is currently insufficient to determine the role of this variant in disease. Therefore, it has been classified as a Variant of Uncertain Significance.

Ambry Genetics
Classification: Uncertain significance for Hereditary cancer-predisposing syndrome. Last evaluated: 2025-01-14. Review status: criteria provided, single submitter. Criteria: Ambry Variant Classification Scheme 2023. Collection method: clinical testing. Allele origin: germline.
Comment: The p.T1011R variant (also known as c.3032C>G), located in coding exon 19 of the ATM gene, results from a C to G substitution at nucleotide position 3032. The threonine at codon 1011 is replaced by arginine, an amino acid with similar properties. This variant was observed in an individual with early onset-breast cancer amongst a cohort of 1781 non-Ashkenazi Jewish individuals undergoing BRCA1/2 gene testing based on a personal history of breast cancer (Tung N et al. Cancer, 2015 Jan;121:25-33). This variant has also been identified in 1/17 pediatric patients with acute myeloid leukemia from Korea (Jeong D et al. Leuk Res, 2019 10;85:106210). This amino acid position is not well conserved in available vertebrate species. In addition, this alteration is predicted to be tolerated by in silico analysis. Since supporting evidence is limited at this time, the clinical significance of this alteration remains unclear.

Literature cited by the submitters: PubMed 31470354 (cited by Labcorp Genetics (formerly Invitae), Labcorp and Ambry Genetics); PubMed 25186627 (cited by Ambry Genetics).

NM_000051.4(ATM):c.3032C>G (p.Thr1011Arg)

Gene: ATM (ATM serine/threonine kinase; plus strand). Cytogenetic location: 11q22.3.
Variant type: single nucleotide variant.
Coding change: c.3032C>G on transcript NM_000051.4 (MANE Select); coding-DNA position 3032, C replaced by G.
Protein change: p.Thr1011Arg; replaces threonine 1011 with arginine.
Molecular consequence: missense variant.
Genome position (GRCh38, 1-based): chr11:108,271,361, C>G. VCF-style: chr11-108271361-C-G. GRCh37 (hg19) VCF-style: chr11-108142088-C-G.
Other names: c.3032C>G, p.Thr1011Arg (NM_001351834.2); short protein forms T1011R.
Identifiers: ClinVar variation 837306 (VCV000837306.11), dbSNP rs1387785337, ClinGen allele CA382547537.